The following is an entry in ClinVar:

NM_000448.3(RAG1):c.-65A>G

Gene: RAG1 (recombination activating 1; plus strand). Cytogenetic location: 11p12.
Variant type: single nucleotide variant.
Coding change: c.-65A>G on transcript NM_000448.3 (MANE Select); 65 bases upstream of the start codon, A replaced by G.
Molecular consequence: 5 prime UTR variant. On other transcripts: intron variant (4).
Genome position (GRCh38, 1-based): chr11:36,568,072, A>G. VCF-style: chr11-36568072-A-G. GRCh37 (hg19) VCF-style: chr11-36589622-A-G.
Other names: c.-15+4574A>G (NM_001377277.1, NM_001377278.1, NM_001377279.1); c.-14-5219A>G (NM_001377280.1).
Identifiers: ClinVar variation 304488 (VCV000304488.6), dbSNP rs872053, ClinGen allele CA10638384.

ClinVar aggregate classification (germline): Benign. Review status: criteria provided, multiple submitters, no conflicts (2 of 4 stars). 3 submissions from 2 submitters: Benign (3). Last evaluated 2018-01-12.

Conditions:
Histiocytic medullary reticulosis. Also called: SEVERE COMBINED IMMUNODEFICIENCY WITH HYPEREOSINOPHILIA; Omenn syndrome. Identifiers: Orphanet 39041, MedGen C2700553, MONDO:0011338, OMIM 603554.
Severe combined immunodeficiency, autosomal recessive, T cell-negative, B cell-negative, NK cell-positive. Also called: SCID, T CELL-NEGATIVE, B CELL-NEGATIVE, NK CELL-POSITIVE; SCID, AR, T-cell negative, B-cell negative, NK cell-positive; Severe combined immunodeficiency due to complete RAG1/2 deficiency. Identifiers: Orphanet 331206, MedGen C1832322, MONDO:0011086, OMIM 601457.

Allele frequency attached by ClinVar (database versions not stated): 1000 Genomes Project 30x 0.05996; 1000 Genomes Project 0.06090; gnomAD 0.07374 and 0.07575; TOPMed 0.07439.

Submissions (3):

Illumina Laboratory Services, Illumina
Classification: Benign for Histiocytic medullary reticulosis. Last evaluated: 2018-01-12. Review status: criteria provided, single submitter. Criteria: ICSL Variant Classification Criteria 13 December 2019. Collection method: clinical testing. Allele origin: germline.
Comment: This variant was observed in the ICSL laboratory as part of a predisposition screen in an ostensibly healthy population. It had not been previously curated by ICSL or reported in the Human Gene Mutation Database (HGMD: prior to June 1st, 2018), and was therefore a candidate for classification through an automated scoring system. Utilizing variant allele frequency, disease prevalence and penetrance estimates, and inheritance mode, an automated score was calculated to assess if this variant is too frequent to cause the disease. Based on the score and internal cut-off values, a variant classified as benign is not then subjected to further curation. The score for this variant resulted in a classification of benign for this disease.

Illumina Laboratory Services, Illumina
Classification: Benign for Severe combined immunodeficiency, autosomal recessive, T cell-negative, B cell-negative, NK cell-positive. Last evaluated: 2018-01-12. Review status: criteria provided, single submitter. Criteria: ICSL Variant Classification Criteria 13 December 2019. Collection method: clinical testing. Allele origin: germline.
Comment: the same text as in the submission from Illumina Laboratory Services, Illumina above.

Breakthrough Genomics
Classification: Benign. Review status: criteria provided, single submitter. Criteria: ACMG Guidelines, 2015. Collection method: not provided. Allele origin: germline. Inheritance: Autosomal recessive inheritance. Affected: yes.